The following is an entry in ClinVar:

NM_004369.4(COL6A3):c.2128C>A (p.Gln710Lys)

Gene: COL6A3 (collagen type VI alpha 3 chain; minus strand). Cytogenetic location: 2q37.3.
Variant type: single nucleotide variant.
Coding change: c.2128C>A on transcript NM_004369.4 (MANE Select); coding-DNA position 2128, C replaced by A.
Protein change: p.Gln710Lys; replaces glutamine 710 with lysine.
Molecular consequence: missense variant. On other transcripts: intron variant (1).
Genome position (GRCh38, 1-based): chr2:237,379,005, G>T on the plus strand (C>A on the coding strand, the complement: COL6A3 is on the minus strand). VCF-style: chr2-237379005-G-T. GRCh37 (hg19) VCF-style: chr2-238287648-G-T.
Other names: c.907C>A, p.Gln303Lys (NM_057164.5); c.1510C>A, p.Gln504Lys (NM_057165.5, NM_057167.4); c.677-1661C>A (NM_057166.5); short protein forms Q504K, Q303K, Q710K.
Identifiers: ClinVar variation 1483278 (VCV001483278.6), dbSNP rs2106367135, ClinGen allele CA351214425.

ClinVar aggregate classification (germline): Uncertain significance (1 of 4 stars; one submission).

Conditions:
Bethlem myopathy 1A. Also called: Bethlem myopathy 1; Bethlem Muscular Dystrophy; MYOPATHY, BENIGN CONGENITAL, WITH CONTRACTURES. Identifiers: Orphanet 610, MedGen CN029274, MONDO:0024530, OMIM 158810.

Submission:

Labcorp Genetics (formerly Invitae), Labcorp
Classification: Uncertain significance for Bethlem myopathy 1A. Last evaluated: 2022-06-20. Review status: criteria provided, single submitter. Criteria: Invitae Variant Classification Sherloc (09022015). Collection method: clinical testing. Allele origin: germline.
Comment: This variant has not been reported in the literature in individuals affected with COL6A3-related conditions. This variant is not present in population databases (gnomAD no frequency). This sequence change replaces glutamine, which is neutral and polar, with lysine, which is basic and polar, at codon 710 of the COL6A3 protein (p.Gln710Lys). In summary, the available evidence is currently insufficient to determine the role of this variant in disease. Therefore, it has been classified as a Variant of Uncertain Significance. Advanced modeling of protein sequence and biophysical properties (such as structural, functional, and spatial information, amino acid conservation, physicochemical variation, residue mobility, and thermodynamic stability) performed at Invitae indicates that this missense variant is not expected to disrupt COL6A3 protein function.